The following is an entry in ClinVar:

ClinVar aggregate classification (germline): Uncertain significance (1 of 4 stars; one submission).

Conditions:
Combined immunodeficiency with skin granulomas. Identifiers: Orphanet 157949, MedGen C2673536, MONDO:0009306, OMIM 233650.
Severe combined immunodeficiency, autosomal recessive, T cell-negative, B cell-negative, NK cell-positive. Also called: SCID, T CELL-NEGATIVE, B CELL-NEGATIVE, NK CELL-POSITIVE; SCID, AR, T-cell negative, B-cell negative, NK cell-positive; Severe combined immunodeficiency due to complete RAG1/2 deficiency. Identifiers: Orphanet 331206, MedGen C1832322, MONDO:0011086, OMIM 601457.

Allele frequency attached by ClinVar (database versions not stated): gnomAD exomes below 0.00001 and 0.00001; TOPMed 0.00001.
gnomAD v4.1: 2 of 1,614,226 alleles (0.00012%); highest among the groups gnomAD compares: Admixed American, 0.0033%; no homozygotes.

Submission:

Labcorp Genetics (formerly Invitae), Labcorp
Classification: Uncertain significance for Combined immunodeficiency with skin granulomas; Severe combined immunodeficiency, autosomal recessive, T cell-negative, B cell-negative, NK cell-positive. Last evaluated: 2021-11-19. Review status: criteria provided, single submitter. Criteria: Invitae Variant Classification Sherloc (09022015). Collection method: clinical testing. Allele origin: germline.
Comment: This sequence change replaces proline, which is neutral and non-polar, with leucine, which is neutral and non-polar, at codon 515 of the RAG1 protein (p.Pro515Leu). This variant is present in population databases (no rsID available, gnomAD 0.006%). This variant has not been reported in the literature in individuals affected with RAG1-related conditions. Advanced modeling of protein sequence and biophysical properties (such as structural, functional, and spatial information, amino acid conservation, physicochemical variation, residue mobility, and thermodynamic stability) performed at Invitae indicates that this missense variant is expected to disrupt RAG1 protein function. In summary, the available evidence is currently insufficient to determine the role of this variant in disease. Therefore, it has been classified as a Variant of Uncertain Significance.

NM_000448.3(RAG1):c.1544C>T (p.Pro515Leu)

Gene: RAG1 (recombination activating 1; plus strand). Cytogenetic location: 11p12.
Variant type: single nucleotide variant.
Coding change: c.1544C>T on transcript NM_000448.3 (MANE Select); coding-DNA position 1544, C replaced by T.
Protein change: p.Pro515Leu; replaces proline 515 with leucine.
Molecular consequence: missense variant.
Genome position (GRCh38, 1-based): chr11:36,574,848, C>T. VCF-style: chr11-36574848-C-T. GRCh37 (hg19) VCF-style: chr11-36596398-C-T.
Other names: c.1544C>T, p.Pro515Leu (NM_001377277.1, NM_001377278.1, NM_001377279.1 and 1 more transcripts); short protein forms P515L.
Identifiers: ClinVar variation 1402322 (VCV001402322.3), dbSNP rs1224336572, ClinGen allele CA380152754.